The following is an entry in ClinVar:

NM_006939.4(SOS2):c.1681A>G (p.Asn561Asp)

Gene: SOS2 (SOS Ras/Rho guanine nucleotide exchange factor 2; minus strand). Cytogenetic location: 14q21.3.
Variant type: single nucleotide variant.
Coding change: c.1681A>G on transcript NM_006939.4 (MANE Select); coding-DNA position 1681, A replaced by G.
Protein change: p.Asn561Asp; replaces asparagine 561 with aspartic acid.
Molecular consequence: missense variant.
Genome position (GRCh38, 1-based): chr14:50,159,602, T>C on the plus strand (A>G on the coding strand, the complement: SOS2 is on the minus strand). VCF-style: chr14-50159602-T-C. GRCh37 (hg19) VCF-style: chr14-50626320-T-C.
Other names: c.1582A>G, p.Asn528Asp (NM_001411020.1); short protein forms N528D, N561D.
Identifiers: ClinVar variation 3959861 (VCV003959861.1).

ClinVar aggregate classification (germline): Uncertain significance (1 of 4 stars; one submission).

Conditions:
Cardiovascular phenotype. Identifiers: MedGen CN230736.

Submission:

Ambry Genetics
Classification: Uncertain significance for Cardiovascular phenotype. Last evaluated: 2025-04-07. Review status: criteria provided, single submitter. Criteria: Ambry Variant Classification Scheme 2023. Collection method: clinical testing. Allele origin: germline.
Comment: The p.N561D variant (also known as c.1681A>G), located in coding exon 10 of the SOS2 gene, results from an A to G substitution at nucleotide position 1681. The asparagine at codon 561 is replaced by aspartic acid, an amino acid with highly similar properties. This amino acid position is conserved. In addition, this alteration is predicted to be tolerated by in silico analysis. Based on the available evidence, the clinical significance of this variant remains unclear.